The following is an entry in ClinVar:

ClinVar aggregate classification (germline): Uncertain significance (1 of 4 stars; one submission).

Allele frequency attached by ClinVar (database versions not stated): gnomAD 0.00001; TOPMed 0.00001.
gnomAD v4.1: 4 of 1,613,802 alleles (0.00025%); highest among the groups gnomAD compares: Non-Finnish European, 0.00034%; no homozygotes.

Submission:

Labcorp Genetics (formerly Invitae), Labcorp
Classification: Uncertain significance. Last evaluated: 2026-01-01. Review status: criteria provided, single submitter. Criteria: Invitae Variant Classification Sherloc (09022015). Collection method: clinical testing. Allele origin: germline.
Comment: This sequence change replaces valine, which is neutral and non-polar, with leucine, which is neutral and non-polar, at codon 1567 of the SCN3A protein (p.Val1567Leu). This variant is not present in population databases (gnomAD no frequency). This variant has not been reported in the literature in individuals affected with SCN3A-related conditions. ClinVar contains an entry for this variant (Variation ID: 665067). Invitae Evidence Modeling of protein sequence and biophysical properties (such as structural, functional, and spatial information, amino acid conservation, physicochemical variation, residue mobility, and thermodynamic stability) has been performed for this missense variant. However, the output from this modeling did not meet the statistical confidence thresholds required to predict the impact of this variant on SCN3A protein function. In summary, the available evidence is currently insufficient to determine the role of this variant in disease. Therefore, it has been classified as a Variant of Uncertain Significance.

NM_006922.4(SCN3A):c.4699G>C (p.Val1567Leu)

Gene: SCN3A (sodium voltage-gated channel alpha subunit 3; minus strand). Cytogenetic location: 2q24.3.
Variant type: single nucleotide variant.
Coding change: c.4699G>C on transcript NM_006922.4 (MANE Select); coding-DNA position 4699, G replaced by C.
Protein change: p.Val1567Leu; replaces valine 1567 with leucine.
Molecular consequence: missense variant.
Genome position (GRCh38, 1-based): chr2:165,092,362, C>G on the plus strand (G>C on the coding strand, the complement: SCN3A is on the minus strand). VCF-style: chr2-165092362-C-G. GRCh37 (hg19) VCF-style: chr2-165948872-C-G.
Other names: c.4552G>C, p.Val1518Leu (NM_001081676.2, NM_001081677.2); short protein forms V1518L, V1567L.
Identifiers: ClinVar variation 665067 (VCV000665067.8), dbSNP rs1574091651, ClinGen allele CA349019029.